The following is an entry in ClinVar:

ClinVar aggregate classification (germline): Uncertain significance. Review status: criteria provided, multiple submitters, no conflicts (2 of 4 stars). 5 submissions from 4 submitters: Uncertain significance (5). Last evaluated 2026-01-20.

Conditions:
Cardiovascular phenotype. Identifiers: MedGen CN230736.
Hereditary cancer-predisposing syndrome. Also called: Tumor predisposition; Neoplastic Syndromes, Hereditary; Hereditary Cancer Syndrome; Hereditary neoplastic syndrome. Identifiers: Orphanet 140162, MedGen C0027672, MeSH D009386, MONDO:0015356.
Noonan syndrome 10 (NS10). Identifiers: Orphanet 648, MedGen C4225280, MONDO:0014693, OMIM 616564.
LZTR1-related schwannomatosis. Also called: Schwannomatosis-2, susceptibility to; Schwannomatosis 2. Identifiers: Orphanet 93921, MedGen C3810283, MONDO:0014299, OMIM 615670.

Allele frequency attached by ClinVar (database versions not stated): gnomAD exomes 0.00001; TOPMed 0.00001; ExAC 0.00002; gnomAD 0.00002 and 0.00003.
gnomAD v4.1: 15 of 1,593,986 alleles (0.00094%); highest among the groups gnomAD compares: South Asian, 0.0066%; no homozygotes.

Submissions (5):

Labcorp Genetics (formerly Invitae), Labcorp
Classification: Uncertain significance. Last evaluated: 2026-01-20. Review status: criteria provided, single submitter. Criteria: Invitae Variant Classification Sherloc (09022015). Collection method: clinical testing. Allele origin: germline.
Comment: This sequence change replaces arginine, which is basic and polar, with tryptophan, which is neutral and slightly polar, at codon 170 of the LZTR1 protein (p.Arg170Trp). This variant is present in population databases (rs757502214, gnomAD 0.007%). This missense change has been observed in individual(s) with autosomal recessive Noonan syndrome (PMID: 29469822). ClinVar contains an entry for this variant (Variation ID: 1308414). An algorithm developed to predict the effect of missense changes on protein structure and function (PolyPhen-2) suggests that this variant is likely to be disruptive. In summary, the available evidence is currently insufficient to determine the role of this variant in disease. Therefore, it has been classified as a Variant of Uncertain Significance.

Ambry Genetics
Classification: Uncertain significance for Cardiovascular phenotype; Hereditary cancer-predisposing syndrome. Last evaluated: 2025-01-16. Review status: criteria provided, single submitter. Criteria: Ambry Variant Classification Scheme 2023. Collection method: clinical testing. Allele origin: germline.
Comment: The p.R170W variant (also known as c.508C>T), located in coding exon 5 of the LZTR1 gene, results from a C to T substitution at nucleotide position 508. The arginine at codon 170 is replaced by tryptophan, an amino acid with dissimilar properties. Of note, p.R170W occurred in cis with LZTR1 p.I205T and authors state they cannot exclude the possibility that neither variant would be pathogenic alone (Johnston JJ et al. Genet Med, 2018 10;20:1175-1185). This amino acid position is well conserved in available vertebrate species. In addition, this alteration is predicted to be tolerated by in silico analysis. Since supporting evidence is limited at this time, the clinical significance of this alteration remains unclear.

Baylor Genetics
Classification: Uncertain significance for LZTR1-related schwannomatosis. Last evaluated: 2023-11-14. Review status: criteria provided, single submitter. Criteria: ACMG Guidelines, 2015. Collection method: clinical testing. Allele origin: unknown.

Baylor Genetics
Classification: Uncertain significance for Noonan syndrome 10. Last evaluated: 2021-09-28. Review status: criteria provided, single submitter. Criteria: ACMG Guidelines, 2015. Collection method: clinical testing. Allele origin: maternal. Affected: yes. Study: CSER-TexasKidsCanSeq.
Comment: This variant was determined to be of uncertain significance according to ACMG Guidelines, 2015 [PMID:25741868].

GeneDx
Classification: Uncertain significance. Last evaluated: 2020-12-01. Review status: criteria provided, single submitter. Criteria: GeneDx Variant Classification Process June 2021. Collection method: clinical testing. Allele origin: germline. Affected: yes.
Comment: Not observed at a significant frequency in large population cohorts (Lek et al., 2016); In silico analysis supports that this missense variant has a deleterious effect on protein structure/function; Observed with another LZTR1 variant on the same allele (in cis), both in the homozygous state in an individual with features of Noonan syndrome (Johnston 2018); This variant is associated with the following publications: (PMID: 29469822)

Literature cited by the submitters: PubMed 29469822 (cited by Labcorp Genetics (formerly Invitae), Labcorp and Ambry Genetics).

NM_006767.4(LZTR1):c.508C>T (p.Arg170Trp)

Gene: LZTR1 (leucine zipper like post translational regulator 1; plus strand). Cytogenetic location: 22q11.21.
Variant type: single nucleotide variant.
Coding change: c.508C>T on transcript NM_006767.4 (MANE Select); coding-DNA position 508, C replaced by T.
Protein change: p.Arg170Trp; replaces arginine 170 with tryptophan.
Molecular consequence: missense variant.
Genome position (GRCh38, 1-based): chr22:20,988,117, C>T. VCF-style: chr22-20988117-C-T. GRCh37 (hg19) VCF-style: chr22-21342406-C-T.
Other names: short protein forms R170W.
Identifiers: ClinVar variation 1308414 (VCV001308414.12), dbSNP rs757502214, ClinGen allele CA10118450.